The following is an entry in ClinVar:

ClinVar aggregate classification (germline): Uncertain significance. Review status: criteria provided, multiple submitters, no conflicts (2 of 4 stars). 2 submissions from 2 submitters: Uncertain significance (2). Last evaluated 2025-09-27.

Conditions:
COL4A1-related disorder. Also called: COL4A1-related condition; COL4A1-related disorders. Identifiers: MedGen CN376119, MONDO:0800461.

gnomAD v4.1: 47 of 1,614,150 alleles (0.0029%); highest among the groups gnomAD compares: Non-Finnish European, 0.0037%; no homozygotes.

Submissions (2):

PreventionGenetics, part of Exact Sciences
Classification: Uncertain significance for COL4A1-related condition. Last evaluated: 2025-09-27. Review status: criteria provided, single submitter. Criteria: ACMG Guidelines, 2015. Collection method: clinical testing. Allele origin: germline.
Comment: The COL4A1 c.4927A>G variant is predicted to result in the amino acid substitution p.Lys1643Glu. To our knowledge, this variant has not been reported in the literature. This variant is reported in 0.0046% of alleles in individuals of European (Finnish) descent in gnomAD. At this time, the clinical significance of this variant is uncertain due to the absence of conclusive functional and genetic evidence.

Labcorp Genetics (formerly Invitae), Labcorp
Classification: Uncertain significance. Last evaluated: 2025-08-19. Review status: criteria provided, single submitter. Criteria: Invitae Variant Classification Sherloc (09022015). Collection method: clinical testing. Allele origin: germline.
Comment: This sequence change replaces lysine, which is basic and polar, with glutamic acid, which is acidic and polar, at codon 1643 of the COL4A1 protein (p.Lys1643Glu). This variant is present in population databases (rs759141642, gnomAD 0.004%). This variant has not been reported in the literature in individuals affected with COL4A1-related conditions. ClinVar contains an entry for this variant (Variation ID: 2153019). Experimental studies and prediction algorithms are not available or were not evaluated, and the functional significance of this variant is currently unknown. In summary, the available evidence is currently insufficient to determine the role of this variant in disease. Therefore, it has been classified as a Variant of Uncertain Significance.

NM_001845.6(COL4A1):c.4927A>G (p.Lys1643Glu)

Gene: COL4A1 (collagen type IV alpha 1 chain; minus strand). Cytogenetic location: 13q34.
Variant type: single nucleotide variant.
Coding change: c.4927A>G on transcript NM_001845.6 (MANE Select); coding-DNA position 4927, A replaced by G.
Protein change: p.Lys1643Glu; replaces lysine 1643 with glutamic acid.
Molecular consequence: missense variant.
Genome position (GRCh38, 1-based): chr13:110,152,335, T>C on the plus strand (A>G on the coding strand, the complement: COL4A1 is on the minus strand). VCF-style: chr13-110152335-T-C. GRCh37 (hg19) VCF-style: chr13-110804682-T-C.
Other names: c.4927A>G (NM_001845.5); short protein forms K1643E.
Identifiers: ClinVar variation 2153019 (VCV002153019.5), dbSNP rs759141642, ClinGen allele CA7046772.
Genomic context (GRCh38, chr13:110,152,335, plus strand): 5'-TTAAAAAATAAAGTCACAAAGGGGCCAGCAGCCTGCAAAAAAGCAGTGCTCCCACTTACT[T>C]GAACATCTCGCTCCTCTCTATGGTGGCGAGCCAAAAGCTGTAAGCGTTTGCGTAGTAATT-3'
Protein context (NP_001836.3, residues 1633-1653): LATIERSEMF[Lys1643Glu]KPTPSTLKAG